The following is an entry in ClinVar:

NM_000059.4(BRCA2):c.3381T>C (p.Phe1127=)

Gene: BRCA2 (BRCA2 DNA repair associated; plus strand). Cytogenetic location: 13q13.1.
Variant type: single nucleotide variant.
Coding change: c.3381T>C on transcript NM_000059.4 (MANE Select); coding-DNA position 3381, T replaced by C.
Protein change: p.Phe1127=; no amino-acid change (phenylalanine 1127 retained).
Molecular consequence: synonymous variant.
Genome position (GRCh38, 1-based): chr13:32,337,736, T>C. VCF-style: chr13-32337736-T-C. GRCh37 (hg19) VCF-style: chr13-32911873-T-C.
Identifiers: ClinVar variation 387894 (VCV000387894.42), dbSNP rs1057522933, ClinGen allele CA16606781.

ClinVar aggregate classification (germline): Likely benign. Review status: criteria provided, multiple submitters, no conflicts (2 of 4 stars). 6 submissions from 6 submitters: Likely benign (6). Last evaluated 2025-11-10.

Conditions:
Hereditary breast ovarian cancer syndrome. Also called: Hereditary breast and ovarian cancer syndrome; BRCA1- and BRCA2-Associated Hereditary Breast and Ovarian Cancer; Hereditary breast and ovarian cancer; Hereditary breast and/or ovarian cancer syndrome; Hereditary breast and ovarian cancer syndrome (HBOC); Breast and ovarian cancer. Identifiers: Orphanet 145, MedGen C0677776, MeSH D061325, MONDO:0003582. Disease mechanism: loss of function.
Hereditary cancer-predisposing syndrome. Also called: Hereditary Cancer Syndrome; Hereditary neoplastic syndrome; Neoplastic Syndromes, Hereditary; Tumor predisposition. Identifiers: Orphanet 140162, MedGen C0027672, MeSH D009386, MONDO:0015356.

Allele frequency attached by ClinVar (database versions not stated): TOPMed below 0.00001.

Submissions (6):

Color Diagnostics, LLC DBA Color Health
Classification: Likely benign for Hereditary cancer-predisposing syndrome. Last evaluated: 2025-11-10. Review status: criteria provided, single submitter. Criteria: ACMG Guidelines, 2015. Collection method: clinical testing. Allele origin: germline.

Labcorp Genetics (formerly Invitae), Labcorp
Classification: Likely benign for Hereditary breast ovarian cancer syndrome. Last evaluated: 2024-12-17. Review status: criteria provided, single submitter. Criteria: Invitae Variant Classification Sherloc (09022015). Collection method: clinical testing. Allele origin: germline.

Women's Health and Genetics/Laboratory Corporation of America, LabCorp
Classification: Likely benign. Last evaluated: 2024-02-19. Review status: criteria provided, single submitter. Criteria: LabCorp Variant Classification Summary - May 2015. Collection method: clinical testing. Allele origin: germline.

Genetics Program, Instituto Nacional de Cancer
Classification: Likely benign for Hereditary breast ovarian cancer syndrome. Last evaluated: 2021-11-01. Review status: criteria provided, single submitter. Criteria: ACMG Guidelines, 2015. Collection method: research. Allele origin: germline. Affected: yes.

Ambry Genetics
Classification: Likely benign for Hereditary cancer-predisposing syndrome. Last evaluated: 2019-02-15. Review status: criteria provided, single submitter. Criteria: Ambry Variant Classification Scheme 2023. Collection method: clinical testing. Allele origin: germline.

GeneDx
Classification: Likely benign. Last evaluated: 2016-07-20. Review status: criteria provided, single submitter. Criteria: GeneDx Variant Classification (06012015). Collection method: clinical testing. Allele origin: germline. Affected: yes.
Comment: This variant is considered likely benign or benign based on one or more of the following criteria: it is a conservative change, it occurs at a poorly conserved position in the protein, it is predicted to be benign by multiple in silico algorithms, and/or has population frequency not consistent with disease.

Literature cited by the submitters: PubMed 36329109 (cited by Genetics Program, Instituto Nacional de Cancer).